The following is an entry in ClinVar:

NC_000009.12:g.35658034_35658041dup

Gene: RMRP (RNA component of mitochondrial RNA processing endoribonuclease; minus strand). Cytogenetic location: 9p13.3.
Variant type: Duplication.
Genome position: GRCh38 VCF-style: chr9-35658033-A-ACAGAGTAG. GRCh37 (hg19) VCF-style: chr9-35658030-A-ACAGAGTAG.
Identifiers: ClinVar variation 1455012 (VCV001455012.6), dbSNP rs2131810278, ClinGen allele CA2573144661.

ClinVar aggregate classification (germline): Pathogenic (1 of 4 stars; one submission).

Conditions:
Anauxetic dysplasia. Identifiers: Orphanet 93347, MedGen C1846796, MONDO:0011773.

Submission:

Labcorp Genetics (formerly Invitae), Labcorp
Classification: Pathogenic for Anauxetic dysplasia. Last evaluated: 2021-06-19. Review status: criteria provided, single submitter. Criteria: Invitae Variant Classification Sherloc (09022015). Collection method: clinical testing. Allele origin: germline.
Comment: The frequency data for this variant in the population databases is considered unreliable, as metrics indicate insufficient coverage at this position in the ExAC database. For these reasons, this variant has been classified as Pathogenic. While functional studies for this variant have not been reported, experimental analyses using patient derived cells, as well as in vitro transfection studies, have shown that promoter insertions result in silencing of RMRP transcription and reduced expression of the gene product (PMID: 11207361, 16254002). While this particular variant has not been reported in the literature, it is located in the promoter region between the TATA box and the transcription initiation site, and other insertions and duplications immediately upstream of the coding sequence have been reported in individuals affected with cartilage-hair hypoplasia-anauxetic dysplasia (CHH-AD) spectrum disorders (PMID: 16244706, 11207361, 12107819). This variant occurs in the RMRP gene, which encodes an RNA molecule that does not result in a protein product.

Literature cited by the submitters: PubMed 11207361; PubMed 16254002; PubMed 16244706; PubMed 12107819.